The following is an entry in ClinVar:

ClinVar aggregate classification (germline): Uncertain significance. Review status: criteria provided, multiple submitters, no conflicts (2 of 4 stars). 5 submissions from 5 submitters: Uncertain significance (5). Last evaluated 2025-09-23.

Conditions:
Spermatogenic failure 46. Identifiers: MedGen C5436799, MONDO:0033673, OMIM 619095.
Primary ciliary dyskinesia. Also called: Ciliary dyskinesia. Identifiers: Orphanet 244, MedGen C0008780, MONDO:0016575, HP:0012265.

Allele frequency attached by ClinVar (database versions not stated): 1000 Genomes Project 0.00040; 1000 Genomes Project 30x 0.00047; gnomAD exomes 0.00080 and 0.00189; ExAC 0.00082; gnomAD 0.00091 and 0.00092; ESP Exome Variant Server 0.00092; TOPMed 0.00098.
gnomAD v4.1: 2,837 of 1,614,132 alleles (0.18%); highest among the groups gnomAD compares: Non-Finnish European, 0.23%; 4 homozygotes.

Submissions (5):

Mayo Clinic Laboratories, Mayo Clinic
Classification: Uncertain significance. Last evaluated: 2025-09-23. Review status: criteria provided, single submitter. Criteria: ACMG Guidelines, 2015. Collection method: clinical testing. Allele origin: germline. Observed: 1 variant allele.
Comment: PP3_strong

Labcorp Genetics (formerly Invitae), Labcorp
Classification: Uncertain significance for Primary ciliary dyskinesia. Last evaluated: 2022-08-19. Review status: criteria provided, single submitter. Criteria: Invitae Variant Classification Sherloc (09022015). Collection method: clinical testing. Allele origin: germline.
Comment: This sequence change replaces asparagine, which is neutral and polar, with histidine, which is basic and polar, at codon 2375 of the DNAH8 protein (p.Asn2375His). This variant is present in population databases (rs141532428, gnomAD 0.2%), and has an allele count higher than expected for a pathogenic variant. This variant has not been reported in the literature in individuals affected with DNAH8-related conditions. ClinVar contains an entry for this variant (Variation ID: 407284). Algorithms developed to predict the effect of missense changes on protein structure and function are either unavailable or do not agree on the potential impact of this missense change (SIFT: "Deleterious"; PolyPhen-2: "Not Available"; Align-GVGD: "Class C0"). In summary, the available evidence is currently insufficient to determine the role of this variant in disease. Therefore, it has been classified as a Variant of Uncertain Significance.

Fulgent Genetics
Classification: Uncertain significance for Spermatogenic failure 46. Last evaluated: 2021-09-28. Review status: criteria provided, single submitter. Criteria: ACMG Guidelines, 2015. Collection method: clinical testing. Allele origin: unknown.

Ambry Genetics
Classification: Uncertain significance. Last evaluated: 2021-08-16. Review status: criteria provided, single submitter. Criteria: Ambry Variant Classification Scheme 2023. Collection method: clinical testing. Allele origin: germline.

Breakthrough Genomics
Classification: Uncertain significance. Review status: criteria provided, single submitter. Criteria: ACMG Guidelines, 2015. Collection method: not provided. Allele origin: germline. Inheritance: Autosomal recessive inheritance. Affected: yes.

Literature cited by the submitters: PubMed 36920900 (cited by Mayo Clinic Laboratories, Mayo Clinic).

NM_001206927.2(DNAH8):c.7123A>C (p.Asn2375His)

Gene: DNAH8 (dynein axonemal heavy chain 8; plus strand). Cytogenetic location: 6p21.2.
Variant type: single nucleotide variant.
Coding change: c.7123A>C on transcript NM_001206927.2 (MANE Select); coding-DNA position 7123, A replaced by C.
Protein change: p.Asn2375His; replaces asparagine 2375 with histidine.
Molecular consequence: missense variant.
Genome position (GRCh38, 1-based): chr6:38,872,668, A>C. VCF-style: chr6-38872668-A-C. GRCh37 (hg19) VCF-style: chr6-38840444-A-C.
Other names: p.Asn2375His; c.6472A>C, p.Asn2158His (NM_001371.4); short protein forms N2375H, N2158H.
Identifiers: ClinVar variation 407284 (VCV000407284.12), dbSNP rs141532428, ClinGen allele CA3789840.